The following is an entry in ClinVar:

NM_152594.3(SPRED1):c.1307G>A (p.Cys436Tyr)

Gene: SPRED1 (sprouty related EVH1 domain containing 1; plus strand). Cytogenetic location: 15q14.
Variant type: single nucleotide variant.
Coding change: c.1307G>A on transcript NM_152594.3 (MANE Select); coding-DNA position 1307, G replaced by A.
Protein change: p.Cys436Tyr; replaces cysteine 436 with tyrosine.
Molecular consequence: missense variant.
Genome position (GRCh38, 1-based): chr15:38,351,636, G>A. VCF-style: chr15-38351636-G-A. GRCh37 (hg19) VCF-style: chr15-38643837-G-A.
Other names: c.1307G>A (NM_152594.2); short protein forms C436Y.
Identifiers: ClinVar variation 1466865 (VCV001466865.9), dbSNP rs772421738, ClinGen allele CA7470262.

ClinVar aggregate classification (germline): Conflicting classifications of pathogenicity. Review status: criteria provided, conflicting classifications (1 of 4 stars). 2 submissions from 2 submitters: Uncertain significance (1); Likely benign (1). Last evaluated 2024-07-12.

Conditions:
Cardiovascular phenotype. Identifiers: MedGen CN230736.
Legius syndrome. Identifiers: Orphanet 137605, MedGen C1969623, MONDO:0012669, OMIM 611431. Disease mechanism: loss of function.

Allele frequency attached by ClinVar (database versions not stated): gnomAD 0.00001; TOPMed 0.00001; gnomAD exomes 0.00002; ExAC 0.00004.
gnomAD v4.1: 18 of 1,613,536 alleles (0.0011%); highest among the groups gnomAD compares: South Asian, 0.014%; no homozygotes.

Submissions (2):

Labcorp Genetics (formerly Invitae), Labcorp
Classification: Uncertain significance for Legius syndrome. Last evaluated: 2024-07-12. Review status: criteria provided, single submitter. Criteria: Invitae Variant Classification Sherloc (09022015). Collection method: clinical testing. Allele origin: germline.
Comment: This sequence change replaces cysteine, which is neutral and slightly polar, with tyrosine, which is neutral and polar, at codon 436 of the SPRED1 protein (p.Cys436Tyr). This variant is present in population databases (rs772421738, gnomAD 0.01%). This variant has not been reported in the literature in individuals affected with SPRED1-related conditions. ClinVar contains an entry for this variant (Variation ID: 1466865). Advanced modeling of protein sequence and biophysical properties (such as structural, functional, and spatial information, amino acid conservation, physicochemical variation, residue mobility, and thermodynamic stability) performed at Invitae indicates that this missense variant is expected to disrupt SPRED1 protein function with a positive predictive value of 80%. In summary, the available evidence is currently insufficient to determine the role of this variant in disease. Therefore, it has been classified as a Variant of Uncertain Significance.

Ambry Genetics
Classification: Likely benign for Cardiovascular phenotype. Last evaluated: 2024-06-26. Review status: criteria provided, single submitter. Criteria: Ambry Variant Classification Scheme 2023. Collection method: clinical testing. Allele origin: germline.